The following is an entry in ClinVar:

ClinVar aggregate classification (germline): Pathogenic (1 of 4 stars; one submission).

Conditions:
VPS13A-related neurodegenerative disease. Also called: ACANTHOCYTOSIS WITH NEUROLOGIC DISORDER; LEVINE-CRITCHLEY SYNDROME; Choreoacanthocytosis; Chorea-acanthocytosis; Choreaacanthocytosis; VPS13A Disease. Identifiers: Orphanet 2388, MedGen C0393576, MONDO:0008695, OMIM 200150.

Submission:

Myriad Genetics, Inc.
Classification: Pathogenic for VPS13A-related neurodegenerative disease. Last evaluated: 2023-08-17. Review status: criteria provided, single submitter. Criteria: Myriad Autosomal Dominant, Autosomal Recessive and X-Linked Classification Criteria (2023). Collection method: clinical testing. Allele origin: unknown.
Comment: NM_033305.2(VPS13A):c.7676dupA(P2560Afs*16) is expected to be pathogenic in the context of VPS13A disease. This variant is predicted to lead to an abnormal or absent protein product due to the creation of a premature termination codon in VPS13A, a gene where loss-of-function variants are known to be pathogenic. Please note: this variant was assessed in the context of healthy population screening.

NM_033305.3(VPS13A):c.7676dup (p.Pro2560fs)

Gene: VPS13A (vacuolar protein sorting 13 homolog A; plus strand). Cytogenetic location: 9q21.2.
Variant type: Duplication.
Coding change: c.7676dup on transcript NM_033305.3 (MANE Select); coding-DNA position 7676, one base duplicated (A; older notation c.7676dupA).
Protein change: p.Pro2560fs; shifts the reading frame from proline 2560.
Molecular consequence: frameshift variant.
Genome position (GRCh38, 1-based): chr9:77,356,737, A duplicated; the last of 3 consecutive A bases (chr9:77,356,735-77,356,737); duplicating any one gives the same sequence. VCF-style (leftmost placement, unchanged base first): chr9-77356734-C-CA. GRCh37 (hg19) VCF-style: chr9-79971650-C-CA.
Other names: c.7559dup, p.Pro2521fs (NM_001018037.2); c.7676dup, p.Pro2560fs (NM_001018038.3, NM_015186.4); short protein forms P2521fs, P2560fs.
Identifiers: ClinVar variation 5011379 (VCV005011379.1).